The following is an entry in ClinVar:

NM_000212.3(ITGB3):c.2222G>A (p.Trp741Ter)

Genes: ITGB3 (integrin subunit beta 3; plus strand), EFCAB13-DT (EFCAB13 divergent transcript; minus strand). Cytogenetic location: 17q21.32.
Variant type: single nucleotide variant.
Coding change: c.2222G>A on transcript NM_000212.3 (MANE Select); coding-DNA position 2222, G replaced by A.
Protein change: p.Trp741Ter; replaces tryptophan 741 with a stop codon.
Molecular consequence: nonsense.
Genome position (GRCh38, 1-based): chr17:47,307,558, G>A. VCF-style: chr17-47307558-G-A. GRCh37 (hg19) VCF-style: chr17-45384924-G-A.
Other names: NM_000212.3:c.2222G>A; short protein forms W741*.
Identifiers: ClinVar variation 3242398 (VCV003242398.1), dbSNP rs2547623783.
Genomic context (GRCh38, chr17:47,307,558, plus strand): 5'-TGGTCCTGCTCTCAGTGATGGGGGCCATTCTGCTCATTGGCCTTGCCGCCCTGCTCATCT[G>A]GAAACTCCTCATCACCATCCACGACCGAAAAGAATTCGCTAAATTTGAGGAAGAACGCGC-3'

ClinVar aggregate classification (germline): Pathogenic (3 of 4 stars; one submission).

Conditions:
Glanzmann thrombasthenia. Also called: PLATELET GLYCOPROTEIN IIb-IIIa DEFICIENCY; Thrombasthenia; Glanzmann's thrombasthenia; BLEEDING DISORDER, PLATELET-TYPE, 2; THROMBASTHENIA OF GLANZMANN AND NAEGELI. Identifiers: Orphanet 849, MedGen C0040015, MONDO:0100326.

Submission:

ClinGen Platelet Disorders Variant Curation Expert Panel, ClinGen
Classification: Pathogenic for Glanzmann thrombasthenia. Last evaluated: 2024-05-02. Review status: reviewed by expert panel. Criteria: ClinGen Platelet ACMG Specifications v2-1. Collection method: curation. Allele origin: germline. Inheritance: Autosomal recessive inheritance.
Comment: The c.2222G>A (p.Trp741Ter) variant in exon 14 is a nonsense variant predicted to cause a premature stop codon in biologically-relevant-exon 14 and is predicted to lead to nonsense mediated decay in a gene in which loss-of-function is an established disease mechanism (PVS1). Surface expression of αIIb and β3 measured by Western blot in HEK293T cells transiently co-transfected with the c.2222G>A (p.Trp741Ter) variant β3 and wild type αIIb and β3 showed decreased expression at 0% WT levels, indicating that this variant impacts protein function (PMID: 37604334) (PS3_supporting). This variant has been detected in at least 1 proband with Glanzmann thrombasthenia (PMID: 37604334). This individual was compound heterozygous for this variant and a SINE-VNTR-Alu (SVA) retrotransposon insertion in ITGB3. This patient (Proband from PMID: 37604334) with this variant displayed mucocutaneous bleeding and impaired aggregation with all agonists except ristocetin, which is highly specific for Glanzmann thrombasthenia. Additionally, αIIbβ3 surface expression was reduced to 0.25% as measured by flow cytometry. ITGA2B and ITGB3 were sequenced across all exons and intron/exon boundaries. (PP4_strong). This variant is absent from gnomAD v4.0.0 (PM2_Supporting). In summary, this variant meets the criteria to be classified as Pathogenic for autosomal recessive Glanzmann Thrombasthenia based on the ACMG/AMP criteria applied, as specified by the ClinGen PD VCEP: PVS1, PS3_supporting, PP4_Strong and PM2_Supporting (VCEP specifications version 2; date of approval 05/02/2024).